The following is an entry in ClinVar:

NM_001267550.2(TTN):c.69383C>A (p.Ser23128Tyr)

Genes: TTN (titin; minus strand), TTN-AS1 (TTN antisense RNA 1; plus strand). Cytogenetic location: 2q31.2.
Variant type: single nucleotide variant.
Coding change: c.69383C>A on transcript NM_001267550.2 (MANE Select); coding-DNA position 69383, C replaced by A.
Protein change: p.Ser23128Tyr; replaces serine 23128 with tyrosine.
Molecular consequence: missense variant.
Genome position (GRCh38, 1-based): chr2:178,576,952, G>T on the plus strand (C>A on the coding strand, the complement: TTN is on the minus strand). VCF-style: chr2-178576952-G-T. GRCh37 (hg19) VCF-style: chr2-179441679-G-T.
Other names: p.S21487Y:TCT>TAT; c.42563C>A, p.Ser14188Tyr (NM_133432.3); c.42764C>A, p.Ser14255Tyr (NM_133437.4); c.64460C>A, p.Ser21487Tyr (NM_001256850.1); c.42188C>A, p.Ser14063Tyr (NM_003319.4); c.61679C>A, p.Ser20560Tyr (NM_133378.4); short protein forms S23128Y, S21487Y, S20560Y, S14063Y, S14255Y, S14188Y.
Identifiers: ClinVar variation 196056 (VCV000196056.38), dbSNP rs72646882, ClinGen allele CA202117.

ClinVar aggregate classification (germline): Conflicting classifications of pathogenicity. Review status: criteria provided, conflicting classifications (1 of 4 stars). 16 submissions from 12 submitters: Uncertain significance (1); Benign (8); Likely benign (7). Last evaluated 2026-02-03.

Conditions:
Cardiovascular phenotype. Identifiers: MedGen CN230736.
Dilated cardiomyopathy 1G (CMD1G). Identifiers: Orphanet 154, MedGen C1858763, MONDO:0011400, OMIM 604145.
Autosomal recessive limb-girdle muscular dystrophy type 2J (LGMDR10). Also called: MUSCULAR DYSTROPHY, LIMB-GIRDLE, AUTOSOMAL RECESSIVE 10; Limb-girdle muscular dystrophy, type 2J. Identifiers: Orphanet 140922, MedGen C1837342, MONDO:0012127, OMIM 608807.
Cardiomyopathy (CMYO). Also called: Cardiomyopathies. Identifiers: Orphanet 167848, MedGen C0878544, MONDO:0004994, HP:0001638. Inheritance: Various modes of inheritance.
Early-onset myopathy with fatal cardiomyopathy (CMYO5). Also called: CONGENITAL MYOPATHY 5 WITH CARDIOMYOPATHY; Salih Myopathy. Identifiers: Orphanet 289377, MedGen C2673677, MONDO:0012714, OMIM 611705. Disease mechanism: loss of function.
Myopathy, myofibrillar, 9, with early respiratory failure (MFM9). Also called: EDSTROM MYOPATHY; MYOPATHY, PROXIMAL, WITH EARLY RESPIRATORY MUSCLE INVOLVEMENT; Myopathy, distal, with early respiratory failure, autosomal dominant; Hereditary myopathy with early respiratory failure. Identifiers: Orphanet 178464, Orphanet 34521, MedGen C1863599, MONDO:0011362, OMIM 603689.
Tibial muscular dystrophy (TMD). Also called: UDD MYOPATHY; Tibial muscular dystrophy, tardive; Udd Distal Myopathy – Tibial Muscular Dystrophy. Identifiers: Orphanet 609, MedGen C1838244, MONDO:0010870, OMIM 600334.

Allele frequency attached by ClinVar (database versions not stated): gnomAD exomes 0.00021 and 0.00058; ExAC 0.00079; 1000 Genomes Project 30x 0.00109; 1000 Genomes Project 0.00140; ESP Exome Variant Server 0.00183; gnomAD 0.00227 and 0.00252; TOPMed 0.00266.
gnomAD v4.1: 671 of 1,613,314 alleles (0.042%); highest among the groups gnomAD compares: African/African-American, 0.79%; no homozygotes.

Submissions (22):

Labcorp Genetics (formerly Invitae), Labcorp
Classification: Benign for Dilated cardiomyopathy 1G; Autosomal recessive limb-girdle muscular dystrophy type 2J. Last evaluated: 2026-02-03. Review status: criteria provided, single submitter. Criteria: Invitae Variant Classification Sherloc (09022015). Collection method: clinical testing. Allele origin: germline.

Women's Health and Genetics/Laboratory Corporation of America, LabCorp
Classification: Benign. Last evaluated: 2025-12-08. Review status: criteria provided, single submitter. Criteria: LabCorp Variant Classification Summary - May 2015. Collection method: clinical testing. Allele origin: germline.
Comment: Variant summary: TTN c.61679C>A (p.Ser20560Tyr) results in a non-conservative amino acid change located in the A-band region of the encoded protein sequence. Algorithms developed to predict the effect of missense changes on protein structure and function all suggest that this variant is likely to be disruptive. The variant allele was found at a frequency of 0.00042 in 1606352 control chromosomes, predominantly at a frequency of 0.0079 within the African or African-American subpopulation in the gnomAD database. The observed variant frequency within African or African-American control individuals in the gnomAD database exceeds the estimated maximal expected allele frequency for disease-causing variants in TTN. To our knowledge, no occurrence of c.61679C>A in individuals affected with TTN-related conditions and no experimental evidence demonstrating its impact on protein function have been reported. ClinVar contains an entry for this variant (Variation ID: 196056). Based on the evidence outlined above, the variant was classified as benign.

Mayo Clinic Laboratories, Mayo Clinic
Classification: Likely benign. Last evaluated: 2025-06-07. Review status: criteria provided, single submitter. Criteria: ACMG Guidelines, 2015. Collection method: clinical testing. Allele origin: germline. Observed: 5 variant alleles.
Comment: BS1

Molecular Diagnostic Laboratory for Inherited Cardiovascular Disease, Montreal Heart Institute
Classification: Likely benign. Last evaluated: 2025-04-09. Review status: criteria provided, single submitter. Criteria: ACMG Guidelines, 2015. Collection method: clinical testing. Allele origin: germline. Affected: no.

Athena Diagnostics
Classification: Benign. Last evaluated: 2024-03-08. Review status: criteria provided, single submitter. Criteria: Athena Diagnostics Criteria. Collection method: clinical testing. Allele origin: unknown.

ARUP Laboratories, Molecular Genetics and Genomics, ARUP Laboratories
Classification: Likely benign. Last evaluated: 2021-02-04. Review status: criteria provided, single submitter. Criteria: ARUP Molecular Germline Variant Investigation Process 2021. Collection method: clinical testing. Allele origin: germline.

Illumina Laboratory Services, Illumina
Classification: Benign for Tibial muscular dystrophy. Last evaluated: 2018-01-12. Review status: criteria provided, single submitter. Criteria: ICSL Variant Classification Criteria 13 December 2019. Collection method: clinical testing. Allele origin: germline.
Comment: This variant was observed in the ICSL laboratory as part of a predisposition screen in an ostensibly healthy population. It had not been previously curated by ICSL or reported in the Human Gene Mutation Database (HGMD: prior to June 1st, 2018), and was therefore a candidate for classification through an automated scoring system. Utilizing variant allele frequency, disease prevalence and penetrance estimates, and inheritance mode, an automated score was calculated to assess if this variant is too frequent to cause the disease. Based on the score and internal cut-off values, a variant classified as benign is not then subjected to further curation. The score for this variant resulted in a classification of benign for this disease.

Illumina Laboratory Services, Illumina
Classification: Uncertain significance for Autosomal recessive limb-girdle muscular dystrophy type 2J. Last evaluated: 2018-01-12. Review status: criteria provided, single submitter. Criteria: ICSL Variant Classification Criteria 13 December 2019. Collection method: clinical testing. Allele origin: germline.

Illumina Laboratory Services, Illumina
Classification: Likely benign for Dilated cardiomyopathy 1G. Last evaluated: 2018-01-12. Review status: criteria provided, single submitter. Criteria: ICSL Variant Classification Criteria 13 December 2019. Collection method: clinical testing. Allele origin: germline.
Comment: This variant was observed in the ICSL laboratory as part of a predisposition screen in an ostensibly healthy population. It had not been previously curated by ICSL or reported in the Human Gene Mutation Database (HGMD: prior to June 1st, 2018), and was therefore a candidate for classification through an automated scoring system. Utilizing variant allele frequency, disease prevalence and penetrance estimates, and inheritance mode, an automated score was calculated to assess if this variant is too frequent to cause the disease. Based on the score and internal cut-off values, a variant classified as likely benign is not then subjected to further curation. The score for this variant resulted in a classification of likely benign for this disease.

Illumina Laboratory Services, Illumina
Classification: Likely benign for Early-onset myopathy with fatal cardiomyopathy. Last evaluated: 2018-01-12. Review status: criteria provided, single submitter. Criteria: ICSL Variant Classification Criteria 13 December 2019. Collection method: clinical testing. Allele origin: germline.
Comment: the same text as in the submission from Illumina Laboratory Services, Illumina above.

Illumina Laboratory Services, Illumina
Classification: Benign for Myopathy, myofibrillar, 9, with early respiratory failure. Last evaluated: 2018-01-12. Review status: criteria provided, single submitter. Criteria: ICSL Variant Classification Criteria 13 December 2019. Collection method: clinical testing. Allele origin: germline.
Comment: the same text as in the submission from Illumina Laboratory Services, Illumina above.

CHEO Genetics Diagnostic Laboratory, Children's Hospital of Eastern Ontario
Classification: Benign for Cardiomyopathy. Last evaluated: 2017-11-28. Review status: criteria provided, single submitter. Criteria: ACMG Guidelines, 2015. Collection method: clinical testing. Allele origin: germline.

GeneDx
Classification: Likely benign. Last evaluated: 2017-07-27. Review status: criteria provided, single submitter. Criteria: GeneDx Variant Classification (06012015). Collection method: clinical testing. Allele origin: germline. Affected: yes.
Comment: This variant is considered likely benign or benign based on one or more of the following criteria: it is a conservative change, it occurs at a poorly conserved position in the protein, it is predicted to be benign by multiple in silico algorithms, and/or has population frequency not consistent with disease.

Laboratory for Molecular Medicine, Mass General Brigham Personalized Medicine
Classification: Likely benign. Last evaluated: 2017-05-18. Review status: criteria provided, single submitter. Criteria: LMM Criteria. Collection method: clinical testing. Allele origin: germline. Observed: 1 variant allele.
Comment: p.Ser20560Tyr in exon 273 of TTN: This variant is not expected to have clinical significance because it has been identified in 0.8% (192/24008) of African chrom osomes by the genome Aggregation Database (gnomAD. org/; dbSNP rs72646882).

Ambry Genetics
Classification: Benign for Cardiovascular phenotype. Last evaluated: 2016-01-28. Review status: criteria provided, single submitter. Criteria: Ambry Variant Classification Scheme 2023. Collection method: clinical testing. Allele origin: germline.

Eurofins Ntd Llc (ga)
Classification: Benign. Last evaluated: 2015-07-17. Review status: criteria provided, single submitter. Criteria: EGL Classification Definitions 2015. Collection method: clinical testing. Allele origin: germline. Observed: 1 variant allele, 1 heterozygote.

Dr. Peter K. Rogan Lab, Western University
No classification provided (evidence only). Condition: Clear cell carcinoma of kidney. Review status: no classification provided. Collection method: in vitro. Allele origin: not applicable. Functional consequence: retained intron. Not counted in ClinVar's aggregate classification.

Dr. Peter K. Rogan Lab, Western University
No classification provided (evidence only). Condition: Clear cell carcinoma of kidney. Review status: no classification provided. Collection method: in vitro. Allele origin: not applicable. Functional consequence: retained intron. Not counted in ClinVar's aggregate classification.

Dr. Peter K. Rogan Lab, Western University
No classification provided (evidence only). Condition: Lung cancer. Review status: no classification provided. Collection method: in vitro. Allele origin: not applicable. Functional consequence: retained intron. Not counted in ClinVar's aggregate classification.

Dr. Peter K. Rogan Lab, Western University
No classification provided (evidence only). Condition: Uterine corpus endometrial carcinoma. Review status: no classification provided. Collection method: in vitro. Allele origin: not applicable. Functional consequence: retained intron. Not counted in ClinVar's aggregate classification.

Dr. Peter K. Rogan Lab, Western University
No classification provided (evidence only). Condition: Uterine corpus endometrial carcinoma. Review status: no classification provided. Collection method: in vitro. Allele origin: not applicable. Functional consequence: retained intron. Not counted in ClinVar's aggregate classification.

Dr. Peter K. Rogan Lab, Western University
No classification provided (evidence only). Condition: Sarcoma. Review status: no classification provided. Collection method: in vitro. Allele origin: not applicable. Functional consequence: retained intron. Not counted in ClinVar's aggregate classification.